The following is an entry in ClinVar:

ClinVar aggregate classification (germline): Likely pathogenic. Review status: criteria provided, single submitter (1 of 4 stars). 3 submissions from 3 submitters: Likely pathogenic (1). 2 of the submissions do not count toward it. Last evaluated 2020-05-14.

Conditions:
Midface hypoplasia, hearing impairment, elliptocytosis, and nephrocalcinosis (MFHIEN). Identifiers: Orphanet 688581, MedGen C4310810, MONDO:0010516, OMIM 300990.

Submissions (3):

Illumina Laboratory Services, Illumina
Classification: Likely pathogenic for Midface hypoplasia, hearing impairment, elliptocytosis, and nephrocalcinosis. Last evaluated: 2020-05-14. Review status: criteria provided, single submitter. Criteria: ICSLVariantClassificationCriteria RUGD 01 April 2020. Collection method: clinical testing. Allele origin: unknown.
Comment: The AMMECR1 c.429T>A p.(Tyr143Ter) nonsense variant is expected to result in the loss of normal protein function through either protein truncation or nonsense-mediated mRNA decay. This variant is not observed in version 2.1.1 of the Genome Aggregation Database. Based on the available evidence, the c.429T>A p.(Tyr143Ter) variant is classified as likely pathogenic for midface hypoplasia, hearing impairment, elliptocytosis, and nephrocalcinosis.

OMIM
Classification: Pathogenic for MIDFACE HYPOPLASIA, HEARING IMPAIRMENT, ELLIPTOCYTOSIS, AND NEPHROCALCINOSIS. Last evaluated: 2022-04-29. Review status: no assertion criteria provided. Collection method: literature only. Allele origin: germline. Not counted in ClinVar's aggregate classification.

Genetics Division, Universidade Federal de Sao Paulo
Classification: Pathogenic for Midface hypoplasia, hearing impairment, elliptocytosis, and nephrocalcinosis. Review status: no assertion criteria provided. Collection method: literature only. Allele origin: de novo. Inheritance: X-linked recessive inheritance. Affected: yes. Clinical features observed: Short stature, Midface retrusion, Heart, malformation of, Hearing impairment, Abnormality of the skeletal system. Not counted in ClinVar's aggregate classification.
Comment: They present with short stature, cardiac and skeletal abnormalities and hearing loss. Variants of unknown significance in AMMECR1 in four male patients from two families with partially overlapping phenotypes were previously reported. AMMECR1 is co-expressed with genes implicated in cell cycle regulation, five of which were previously associated with growth and bone alteration syndromes. Our knockdown of the zebrafish orthologous gene resulted in phenotypes reminiscent of patientsâ€™ features. The increased transcript and encoded protein levels of AMMECR1L, an AMMECR1 paralog, in the t(X;9) patientâ€™s cells indicate a partial compensatory mechanism. AMMECR1 and AMMECR1L proteins dimerize and localize to the nucleus as suggested by their nucleic acid-binding RAGNYA folds. Our results suggest that AMMECR1 is potentially involved in cell cycle control and linked to a new syndrome with growth, bone, heart and kidney alterations and elliptocytosis.

Literature cited by the submitters: PubMed 29193635 (cited by OMIM).

NM_015365.3(AMMECR1):c.429T>A (p.Tyr143Ter)

Gene: AMMECR1 (AMMECR nuclear protein 1; minus strand). Cytogenetic location: Xq23.
Variant type: single nucleotide variant.
Coding change: c.429T>A on transcript NM_015365.3 (MANE Select); coding-DNA position 429, T replaced by A.
Protein change: p.Tyr143Ter; replaces tyrosine 143 with a stop codon.
Molecular consequence: nonsense.
Genome position (GRCh38, 1-based): chrX:110,317,643, A>T on the plus strand (T>A on the coding strand, the complement: AMMECR1 is on the minus strand). VCF-style: chrX-110317643-A-T. GRCh37 (hg19) VCF-style: chrX-109560871-A-T.
Other names: c.429T>A, p.Tyr143Ter (NM_001025580.2); c.60T>A, p.Tyr20Ter (NM_001171689.2); short protein forms Y143*, Y20*.
Identifiers: ClinVar variation 446130 (VCV000446130.4), dbSNP rs765498367, ClinGen allele CA414223115.